The following is an entry in ClinVar:

NM_001368397.1(FRMPD4):c.2076T>G (p.Ser692Arg)

Gene: FRMPD4 (FERM and PDZ domain containing 4; plus strand). Cytogenetic location: Xp22.2.
Variant type: single nucleotide variant.
Coding change: c.2076T>G on transcript NM_001368397.1 (MANE Select); coding-DNA position 2076, T replaced by G.
Protein change: p.Ser692Arg; replaces serine 692 with arginine.
Molecular consequence: missense variant.
Genome position (GRCh38, 1-based): chrX:12,716,535, T>G. VCF-style: chrX-12716535-T-G. GRCh37 (hg19) VCF-style: chrX-12734654-T-G.
Other names: c.2187T>G, p.Ser729Arg (NM_001368395.3, NM_001368398.3); c.2082T>G, p.Ser694Arg (NM_001368396.3); c.2067T>G, p.Ser689Arg (NM_001368399.3); c.1956T>G, p.Ser652Arg (NM_001368400.3); c.2052T>G, p.Ser684Arg (NM_001368401.1, NM_001368402.3); c.2076T>G, p.Ser692Arg (NM_014728.3); short protein forms S652R, S684R, S689R, S692R, S694R, S729R.
Identifiers: ClinVar variation 5020334 (VCV005020334.1).

ClinVar aggregate classification (germline): Uncertain significance (1 of 4 stars; one submission).

Submission:

Dasa
Classification: Uncertain significance. Last evaluated: 2026-08-10. Review status: criteria provided, single submitter. Criteria: DASA Assertion Criteria. Collection method: clinical testing. Allele origin: germline.
Comment: NM_001368397.1(FRMPD4):c.2076T>G (p.Ser692Arg) is a missense variant that results in the substitution of serine with arginine. This variant is rare in population databases. Computational prediction algorithms are consistent with a benign effect. The currently available literature and clinical evidence are not sufficient to establish a definitive association between this variant and the reported condition. Therefore, this variant is classified as a variant of uncertain significance.